The following is an entry in ClinVar:

NM_005228.5(EGFR):c.3419A>G (p.Asn1140Ser)

Gene: EGFR (epidermal growth factor receptor; plus strand). Cytogenetic location: 7p11.2.
Variant type: single nucleotide variant.
Coding change: c.3419A>G on transcript NM_005228.5 (MANE Select); coding-DNA position 3419, A replaced by G.
Protein change: p.Asn1140Ser; replaces asparagine 1140 with serine.
Molecular consequence: missense variant.
Genome position (GRCh38, 1-based): chr7:55,205,403, A>G. VCF-style: chr7-55205403-A-G. GRCh37 (hg19) VCF-style: chr7-55273096-A-G.
Other names: c.3284A>G, p.Asn1095Ser (NM_001346899.2); c.3260A>G, p.Asn1087Ser (NM_001346900.2); c.2618A>G, p.Asn873Ser (NM_001346941.2); c.3419A>G (NM_005228.3); short protein forms N873S, N1087S, N1095S, N1140S.
Identifiers: ClinVar variation 1475677 (VCV001475677.7), dbSNP rs1788069498, ClinGen allele CA367584576.

ClinVar aggregate classification (germline): Conflicting classifications of pathogenicity. Review status: criteria provided, conflicting classifications (1 of 4 stars). 2 submissions from 2 submitters: Uncertain significance (1); Likely benign (1). Last evaluated 2025-07-02.

Conditions:
Hereditary cancer-predisposing syndrome. Also called: Neoplastic Syndromes, Hereditary; Hereditary Cancer Syndrome; Tumor predisposition; Hereditary neoplastic syndrome. Identifiers: Orphanet 140162, MedGen C0027672, MeSH D009386, MONDO:0015356.
EGFR-related lung cancer (EGFR). Identifiers: MedGen CN130014.

Allele frequency attached by ClinVar (database versions not stated): TOPMed below 0.00001.
gnomAD v4.1: 1 of 1,614,120 alleles (0.000062%); highest among the groups gnomAD compares: Non-Finnish European, 0.000085%; no homozygotes.

Submissions (2):

Ambry Genetics
Classification: Likely benign for Hereditary cancer-predisposing syndrome. Last evaluated: 2025-07-02. Review status: criteria provided, single submitter. Criteria: Ambry Variant Classification Scheme 2023. Collection method: clinical testing. Allele origin: germline.

Labcorp Genetics (formerly Invitae), Labcorp
Classification: Uncertain significance for EGFR-related lung cancer. Last evaluated: 2025-04-17. Review status: criteria provided, single submitter. Criteria: Invitae Variant Classification Sherloc (09022015). Collection method: clinical testing. Allele origin: germline.
Comment: This sequence change replaces asparagine, which is neutral and polar, with serine, which is neutral and polar, at codon 1140 of the EGFR protein (p.Asn1140Ser). This variant is not present in population databases (gnomAD no frequency). This variant has not been reported in the literature in individuals affected with EGFR-related conditions. ClinVar contains an entry for this variant (Variation ID: 1475677). An algorithm developed to predict the effect of missense changes on protein structure and function (PolyPhen-2) suggests that this variant is likely to be disruptive. In summary, the available evidence is currently insufficient to determine the role of this variant in disease. Therefore, it has been classified as a Variant of Uncertain Significance.